The following is an entry in ClinVar:

ClinVar aggregate classification (germline): Uncertain significance (1 of 4 stars; one submission).

Allele frequency attached by ClinVar (database versions not stated): TOPMed below 0.00001; ExAC 0.00001; gnomAD 0.00001; gnomAD exomes 0.00001.
gnomAD v4.1: 21 of 1,613,840 alleles (0.0013%); highest among the groups gnomAD compares: Non-Finnish European, 0.0017%; no homozygotes.

Submission:

Labcorp Genetics (formerly Invitae), Labcorp
Classification: Uncertain significance. Last evaluated: 2021-09-01. Review status: criteria provided, single submitter. Criteria: Invitae Variant Classification Sherloc (09022015). Collection method: clinical testing. Allele origin: germline.
Comment: This sequence change replaces methionine with isoleucine at codon 498 of the KIAA1549 protein (p.Met498Ile). The methionine residue is weakly conserved and there is a small physicochemical difference between methionine and isoleucine. This variant is present in population databases (rs750143457, ExAC 0.002%). This variant has not been reported in the literature in individuals affected with KIAA1549-related conditions. Algorithms developed to predict the effect of missense changes on protein structure and function (SIFT, PolyPhen-2, Align-GVGD) all suggest that this variant is likely to be tolerated. Algorithms developed to predict the effect of sequence changes on RNA splicing suggest that this variant may create or strengthen a splice site. In summary, the available evidence is currently insufficient to determine the role of this variant in disease. Therefore, it has been classified as a Variant of Uncertain Significance.

NM_001164665.2(KIAA1549):c.1494G>A (p.Met498Ile)

Gene: KIAA1549 (KIAA1549; minus strand). Cytogenetic location: 7q34.
Variant type: single nucleotide variant.
Coding change: c.1494G>A on transcript NM_001164665.2 (MANE Select); coding-DNA position 1494, G replaced by A.
Protein change: p.Met498Ile; replaces methionine 498 with isoleucine.
Molecular consequence: missense variant.
Genome position (GRCh38, 1-based): chr7:138,918,132, C>T on the plus strand (G>A on the coding strand, the complement: KIAA1549 is on the minus strand). VCF-style: chr7-138918132-C-T. GRCh37 (hg19) VCF-style: chr7-138602878-C-T.
Other names: c.1494G>A, p.Met498Ile (NM_020910.3); short protein forms M498I.
Identifiers: ClinVar variation 864239 (VCV000864239.7), dbSNP rs750143457, ClinGen allele CA4506714.